The following is an entry in ClinVar:

ClinVar aggregate classification (germline): Uncertain significance. Review status: criteria provided, multiple submitters, no conflicts (2 of 4 stars). 3 submissions from 3 submitters: Uncertain significance (3). Last evaluated 2024-11-11.

Conditions:
Dilated cardiomyopathy 1W (CMD1W). Identifiers: Orphanet 154, MedGen C1969639, MONDO:0012667, OMIM 611407.
Cardiovascular phenotype. Identifiers: MedGen CN230736.

Allele frequency attached by ClinVar (database versions not stated): gnomAD exomes below 0.00001; TOPMed below 0.00001.
gnomAD v4.1: 8 of 1,613,064 alleles (0.0005%); highest among the groups gnomAD compares: Middle Eastern, 0.033%; no homozygotes.

Submissions (3):

Labcorp Genetics (formerly Invitae), Labcorp
Classification: Uncertain significance for Dilated cardiomyopathy 1W. Last evaluated: 2024-11-11. Review status: criteria provided, single submitter. Criteria: Invitae Variant Classification Sherloc (09022015). Collection method: clinical testing. Allele origin: germline.
Comment: This sequence change replaces arginine, which is basic and polar, with glutamine, which is neutral and polar, at codon 460 of the VCL protein (p.Arg460Gln). This variant is present in population databases (rs753026034, gnomAD 0.003%). This variant has not been reported in the literature in individuals affected with VCL-related conditions. ClinVar contains an entry for this variant (Variation ID: 300788). An algorithm developed to predict the effect of missense changes on protein structure and function (PolyPhen-2) suggests that this variant is likely to be disruptive. In summary, the available evidence is currently insufficient to determine the role of this variant in disease. Therefore, it has been classified as a Variant of Uncertain Significance.

Ambry Genetics
Classification: Uncertain significance for Cardiovascular phenotype. Last evaluated: 2022-11-02. Review status: criteria provided, single submitter. Criteria: Ambry Variant Classification Scheme 2023. Collection method: clinical testing. Allele origin: germline.
Comment: The p.R460Q variant (also known as c.1379G>A), located in coding exon 11 of the VCL gene, results from a G to A substitution at nucleotide position 1379. The arginine at codon 460 is replaced by glutamine, an amino acid with highly similar properties. This amino acid position is conserved. In addition, the in silico prediction for this alteration is inconclusive. Since supporting evidence is limited at this time, the clinical significance of this alteration remains unclear.

Illumina Laboratory Services, Illumina
Classification: Uncertain significance for Dilated cardiomyopathy 1W. Last evaluated: 2018-01-13. Review status: criteria provided, single submitter. Criteria: ICSL Variant Classification Criteria 13 December 2019. Collection method: clinical testing. Allele origin: germline.

NM_014000.3(VCL):c.1379G>A (p.Arg460Gln)

Gene: VCL (vinculin; plus strand). Cytogenetic location: 10q22.2.
Variant type: single nucleotide variant.
Coding change: c.1379G>A on transcript NM_014000.3 (MANE Select); coding-DNA position 1379, G replaced by A.
Protein change: p.Arg460Gln; replaces arginine 460 with glutamine.
Molecular consequence: missense variant.
Genome position (GRCh38, 1-based): chr10:74,094,297, G>A. VCF-style: chr10-74094297-G-A. GRCh37 (hg19) VCF-style: chr10-75854055-G-A.
Other names: c.1379G>A, p.Arg460Gln (NM_003373.4); short protein forms R460Q.
Identifiers: ClinVar variation 300788 (VCV000300788.13), dbSNP rs753026034, ClinGen allele CA5562999.